The following is an entry in ClinVar:

ClinVar aggregate classification (germline): Benign/Likely benign. Review status: criteria provided, multiple submitters, no conflicts (2 of 4 stars). 14 submissions from 12 submitters: Benign (10); Likely benign (1). 3 of the submissions do not count toward it. Last evaluated 2026-02-04.

Conditions:
Charcot-Marie-Tooth disease. Also called: Charcot-Marie-Tooth Hereditary Neuropathy; Charcot-Marie-Tooth Neuropathy. Identifiers: Orphanet 166, MedGen C0007959, MONDO:0015626.
Charcot-Marie-Tooth disease type 4. Also called: Charcot-Marie-Tooth, Type 4; Charcot-Marie-Tooth disease, type IV. Identifiers: Orphanet 64749, MedGen C4082197, MONDO:0018995.
Susceptibility to mononeuropathy of the median nerve, mild. Also called: CARPAL TUNNEL SYNDROME, SUSCEPTIBILITY TO. Identifiers: MedGen C3150596, MONDO:0013237, OMIM 613353.
Charcot-Marie-Tooth disease type 4C (CMT4C). Also called: SH3TC2-Related Hereditary Motor and Sensory Neuropathy; Charcot-Marie-Tooth Neuropathy Type 4C (CMT4C); CHARCOT-MARIE-TOOTH DISEASE, DEMYELINATING, TYPE 4C; CHARCOT-MARIE-TOOTH DISEASE, DEMYELINATING, AUTOSOMAL RECESSIVE, TYPE 4C; CMT 4C. Identifiers: Orphanet 99949, MedGen C1866636, MONDO:0011113, OMIM 601596.

Allele frequency attached by ClinVar (database versions not stated): 1000 Genomes Project 0.43710; gnomAD exomes 0.43918 and 0.45067; 1000 Genomes Project 30x 0.44254; ExAC 0.44560; TOPMed 0.46787; gnomAD 0.48230 and 0.48793; ESP Exome Variant Server 0.48470.
gnomAD v4.1: 732,057 of 1,613,636 alleles (45%); highest among the groups gnomAD compares: African/African-American, 57%; 169,019 homozygotes.

Submissions (14):

Labcorp Genetics (formerly Invitae), Labcorp
Classification: Benign for Charcot-Marie-Tooth disease type 4. Last evaluated: 2026-02-04. Review status: criteria provided, single submitter. Criteria: Invitae Variant Classification Sherloc (09022015). Collection method: clinical testing. Allele origin: germline.

Blueprint Genetics
Classification: Likely benign. Last evaluated: 2024-11-26. Review status: criteria provided, single submitter. Criteria: ACMG Guidelines, 2015. Collection method: clinical testing. Allele origin: germline.

Genome-Nilou Lab
Classification: Benign for Charcot-Marie-Tooth disease type 4C. Last evaluated: 2021-07-15. Review status: criteria provided, single submitter. Criteria: ACMG Guidelines, 2015. Collection method: clinical testing. Allele origin: germline. Affected: no.

Genome-Nilou Lab
Classification: Benign for Susceptibility to mononeuropathy of the median nerve, mild. Last evaluated: 2021-07-15. Review status: criteria provided, single submitter. Criteria: ACMG Guidelines, 2015. Collection method: clinical testing. Allele origin: germline. Affected: no.

Illumina Laboratory Services, Illumina
Classification: Benign for Susceptibility to mononeuropathy of the median nerve, mild. Last evaluated: 2018-01-13. Review status: criteria provided, single submitter. Criteria: ICSL Variant Classification Criteria 13 December 2019. Collection method: clinical testing. Allele origin: germline.
Comment: This variant was observed in the ICSL laboratory as part of a predisposition screen in an ostensibly healthy population. It had not been previously curated by ICSL or reported in the Human Gene Mutation Database (HGMD: prior to June 1st, 2018), and was therefore a candidate for classification through an automated scoring system. Utilizing variant allele frequency, disease prevalence and penetrance estimates, and inheritance mode, an automated score was calculated to assess if this variant is too frequent to cause the disease. Based on the score and internal cut-off values, a variant classified as benign is not then subjected to further curation. The score for this variant resulted in a classification of benign for this disease.

Illumina Laboratory Services, Illumina
Classification: Benign for Charcot-Marie-Tooth disease type 4C. Last evaluated: 2018-01-13. Review status: criteria provided, single submitter. Criteria: ICSL Variant Classification Criteria 13 December 2019. Collection method: clinical testing. Allele origin: germline.
Comment: the same text as in the submission from Illumina Laboratory Services, Illumina above.

Eurofins Ntd Llc (ga)
Classification: Benign. Last evaluated: 2017-07-10. Review status: criteria provided, single submitter. Criteria: EGL Classification Definitions 2015. Collection method: clinical testing. Allele origin: germline. Observed: 2 variant alleles, 1 heterozygote, 1 homozygote.

Mayo Clinic Laboratories, Mayo Clinic
Classification: Benign. Last evaluated: 2015-09-01. Review status: criteria provided, single submitter. Criteria: ACMG Guidelines, 2015. Collection method: clinical testing. Allele origin: germline. Observed: 1,443 variant alleles.

GeneDx
Classification: Benign. Last evaluated: 2015-03-03. Review status: criteria provided, single submitter. Criteria: GeneDx Variant Classification Process June 2021. Collection method: clinical testing. Allele origin: germline. Affected: yes.

Molecular Genetics Laboratory, London Health Sciences Centre
Classification: Benign for Charcot-Marie-Tooth disease. Review status: criteria provided, single submitter. Criteria: ACMG Guidelines, 2015. Collection method: clinical testing. Allele origin: germline. Affected: yes.

PreventionGenetics, part of Exact Sciences
Classification: Benign. Review status: criteria provided, single submitter. Criteria: ACMG Guidelines, 2015. Collection method: clinical testing. Allele origin: germline.

Clinical Genetics, Academic Medical Center
Classification: Benign. Review status: no assertion criteria provided. Collection method: clinical testing. Allele origin: germline. Affected: yes. Study: VKGL Data-share Consensus. Not counted in ClinVar's aggregate classification.

Genetic Services Laboratory, University of Chicago
Classification: Likely benign for AllHighlyPenetrant. Review status: no assertion criteria provided. Collection method: clinical testing. Allele origin: germline. Not counted in ClinVar's aggregate classification.
Comment: Likely benign based on allele frequency in 1000 Genomes Project or ESP global frequency and its presence in a patient with a rare or unrelated disease phenotype. NOT Sanger confirmed.

Joint Genome Diagnostic Labs from Nijmegen and Maastricht, Radboudumc and MUMC+
Classification: Benign. Review status: no assertion criteria provided. Collection method: clinical testing. Allele origin: germline. Affected: yes. Study: VKGL Data-share Consensus. Not counted in ClinVar's aggregate classification.

NM_024577.4(SH3TC2):c.1194T>C (p.Gly398=)

Gene: SH3TC2 (SH3 domain and tetratricopeptide repeats 2; minus strand). Cytogenetic location: 5q32.
Variant type: single nucleotide variant.
Coding change: c.1194T>C on transcript NM_024577.4 (MANE Select); coding-DNA position 1194, T replaced by C.
Protein change: p.Gly398=; no amino-acid change (glycine 398 retained).
Molecular consequence: synonymous variant.
Genome position (GRCh38, 1-based): chr5:149,028,538, A>G on the plus strand (T>C on the coding strand, the complement: SH3TC2 is on the minus strand). VCF-style: chr5-149028538-A-G. GRCh37 (hg19) VCF-style: chr5-148408101-A-G.
Other names: p.Gly398=.
Identifiers: ClinVar variation 130296 (VCV000130296.32), dbSNP rs1432793, ClinGen allele CA155183.